The following is an entry in ClinVar:

ClinVar aggregate classification (germline): Uncertain significance (1 of 4 stars; one submission).

Conditions:
Emery-Dreifuss muscular dystrophy 4, autosomal dominant (EDMD4). Also called: EMERY-DREIFUSS MUSCULAR DYSTROPHY 4 WITH VARIABLE FEATURES. Identifiers: Orphanet 261, MedGen C2751807, MONDO:0013071, OMIM 612998.
Autosomal recessive ataxia, Beauce type. Also called: SYNE1-Related Autosomal Recessive Cerebellar Ataxia; SYNE1 Deficiency; Spinocerebellar ataxia, autosomal recessive 8; ATAXIA, RECESSIVE, OF BEAUCE. Identifiers: Orphanet 88644, MedGen C1853116, MONDO:0012549, OMIM 610743.

Submission:

Labcorp Genetics (formerly Invitae), Labcorp
Classification: Uncertain significance for Emery-Dreifuss muscular dystrophy 4, autosomal dominant; Autosomal recessive ataxia, Beauce type. Last evaluated: 2024-10-16. Review status: criteria provided, single submitter. Criteria: Invitae Variant Classification Sherloc (09022015). Collection method: clinical testing. Allele origin: germline.
Comment: This sequence change replaces tyrosine, which is neutral and polar, with histidine, which is basic and polar, at codon 1362 of the SYNE1 protein (p.Tyr1362His). This variant is not present in population databases (gnomAD no frequency). This variant has not been reported in the literature in individuals affected with SYNE1-related conditions. ClinVar contains an entry for this variant (Variation ID: 1713351). An algorithm developed to predict the effect of missense changes on protein structure and function (PolyPhen-2) suggests that this variant is likely to be disruptive. In summary, the available evidence is currently insufficient to determine the role of this variant in disease. Therefore, it has been classified as a Variant of Uncertain Significance.

NM_182961.4(SYNE1):c.4063T>C (p.Tyr1355His)

Gene: SYNE1 (spectrin repeat containing nuclear envelope protein 1; minus strand). Cytogenetic location: 6q25.2.
Variant type: single nucleotide variant.
Coding change: c.4063T>C on transcript NM_182961.4 (MANE Select); coding-DNA position 4063, T replaced by C.
Protein change: p.Tyr1355His; replaces tyrosine 1355 with histidine.
Molecular consequence: missense variant.
Genome position (GRCh38, 1-based): chr6:152,441,216, A>G on the plus strand (T>C on the coding strand, the complement: SYNE1 is on the minus strand). VCF-style: chr6-152441216-A-G. GRCh37 (hg19) VCF-style: chr6-152762351-A-G.
Other names: c.4084T>C, p.Tyr1362His (NM_033071.5); short protein forms Y1355H, Y1362H.
Identifiers: ClinVar variation 1713351 (VCV001713351.5), dbSNP rs2499947945, ClinGen allele CA366145921.